The following is an entry in ClinVar:

ClinVar aggregate classification (germline): Uncertain significance (1 of 4 stars; one submission).

Conditions:
FAS-related disorder. Also called: FAS-related condition.

Submission:

PreventionGenetics, part of Exact Sciences
Classification: Uncertain significance for FAS-related condition. Last evaluated: 2023-06-01. Review status: criteria provided, single submitter. Criteria: ACMG Guidelines, 2015. Collection method: clinical testing. Allele origin: germline.
Comment: The FAS c.923A>G variant is predicted to result in the amino acid substitution p.Glu308Gly. To our knowledge, this variant has not been reported in the literature or in a large population database, indicating this variant is rare. At this time, the clinical significance of this variant is uncertain due to the absence of conclusive functional and genetic evidence.

NM_000043.6(FAS):c.923A>G (p.Glu308Gly)

Gene: FAS (Fas cell surface death receptor; plus strand). Cytogenetic location: 10q23.31.
Variant type: single nucleotide variant.
Coding change: c.923A>G on transcript NM_000043.6 (MANE Select); coding-DNA position 923, A replaced by G.
Protein change: p.Glu308Gly; replaces glutamic acid 308 with glycine.
Molecular consequence: missense variant. On other transcripts: 3 prime UTR variant (2), non-coding transcript variant (7).
Genome position (GRCh38, 1-based): chr10:89,014,365, A>G. VCF-style: chr10-89014365-A-G. GRCh37 (hg19) VCF-style: chr10-90774122-A-G.
Other names: c.*246A>G (NM_001320619.2); c.968A>G, p.Glu323Gly (NM_001410956.1); c.860A>G, p.Glu287Gly (NM_152871.4); c.*235A>G (NM_152872.4); short protein forms E287G, E308G, E323G.
Identifiers: ClinVar variation 2632730 (VCV002632730.1), dbSNP rs1468604275, ClinGen allele CA377510118.
Genomic context (GRCh38, chr10:89,014,365, plus strand): 5'-AAGAAGCGTATGACACATTGATTAAAGATCTCAAAAAAGCCAATCTTTGTACTCTTGCAG[A>G]GAAAATTCAGACTATCATCCTCAAGGACATTACTAGTGACTCAGAAAATTCAAACTTCAG-3'
Protein context (NP_000034.1, residues 298-318): LKKANLCTLA[Glu308Gly]KIQTIILKDI